The following is an entry in ClinVar:

ClinVar aggregate classification (germline): Uncertain significance (1 of 4 stars; one submission).

Allele frequency attached by ClinVar (database versions not stated): gnomAD exomes below 0.00001; gnomAD 0.00001; TOPMed 0.00001.
gnomAD v4.1: 3 of 1,613,980 alleles (0.00019%); highest among the groups gnomAD compares: Non-Finnish European, 0.00025%; no homozygotes.

Submission:

Labcorp Genetics (formerly Invitae), Labcorp
Classification: Uncertain significance. Last evaluated: 2021-12-02. Review status: criteria provided, single submitter. Criteria: Invitae Variant Classification Sherloc (09022015). Collection method: clinical testing. Allele origin: germline.
Comment: This sequence change replaces threonine, which is neutral and polar, with isoleucine, which is neutral and non-polar, at codon 576 of the ERCC6 protein (p.Thr576Ile). This variant is not present in population databases (gnomAD no frequency). This variant has not been reported in the literature in individuals affected with ERCC6-related conditions. Algorithms developed to predict the effect of missense changes on protein structure and function (SIFT, PolyPhen-2, Align-GVGD) all suggest that this variant is likely to be disruptive. In summary, the available evidence is currently insufficient to determine the role of this variant in disease. Therefore, it has been classified as a Variant of Uncertain Significance.

NM_000124.4(ERCC6):c.1727C>T (p.Thr576Ile)

Gene: ERCC6 (ERCC excision repair 6, chromatin remodeling factor; minus strand). Cytogenetic location: 10q11.23.
Variant type: single nucleotide variant.
Coding change: c.1727C>T on transcript NM_000124.4 (MANE Select); coding-DNA position 1727, C replaced by T.
Protein change: p.Thr576Ile; replaces threonine 576 with isoleucine.
Molecular consequence: missense variant.
Genome position (GRCh38, 1-based): chr10:49,493,211, G>A on the plus strand (C>T on the coding strand, the complement: ERCC6 is on the minus strand). VCF-style: chr10-49493211-G-A. GRCh37 (hg19) VCF-style: chr10-50701257-G-A.
Other names: c.1727C>T, p.Thr576Ile (NM_001346440.2); short protein forms T576I.
Identifiers: ClinVar variation 1380936 (VCV001380936.3), dbSNP rs1361909458, ClinGen allele CA376726592.